The following is an entry in ClinVar:

ClinVar aggregate classification (germline): Uncertain significance. Review status: criteria provided, multiple submitters, no conflicts (2 of 4 stars). 2 submissions from 2 submitters: Uncertain significance (2). Last evaluated 2022-08-23.

Conditions:
Hereditary spastic paraplegia. Also called: Familial spastic paraparesis. Identifiers: Orphanet 685, MedGen C0037773, MONDO:0019064. Disease mechanism: loss of function.
Hereditary spastic paraplegia 48. Also called: SPASTIC PARAPLEGIA 48, AUTOSOMAL RECESSIVE; Spastic paraplegia 48. Identifiers: Orphanet 306511, MedGen C3150901, MONDO:0013342, OMIM 613647.

Allele frequency attached by ClinVar (database versions not stated): gnomAD 0.00008 and 0.00009; ExAC 0.00009; TOPMed 0.00009; 1000 Genomes Project 0.00020; ESP Exome Variant Server 0.00024; 1000 Genomes Project 30x 0.00031.
gnomAD v4.1: 86 of 1,582,346 alleles (0.0054%); highest among the groups gnomAD compares: Middle Eastern, 0.084%; 1 homozygote.

Submissions (2):

Labcorp Genetics (formerly Invitae), Labcorp
Classification: Uncertain significance for Hereditary spastic paraplegia 48. Last evaluated: 2022-08-23. Review status: criteria provided, single submitter. Criteria: Invitae Variant Classification Sherloc (09022015). Collection method: clinical testing. Allele origin: germline.
Comment: This sequence change replaces arginine, which is basic and polar, with glutamine, which is neutral and polar, at codon 110 of the AP5Z1 protein (p.Arg110Gln). This variant is present in population databases (rs201481802, gnomAD 0.03%). This variant has not been reported in the literature in individuals affected with AP5Z1-related conditions. ClinVar contains an entry for this variant (Variation ID: 240942). Algorithms developed to predict the effect of missense changes on protein structure and function output the following: SIFT: "Tolerated"; PolyPhen-2: "Benign"; Align-GVGD: "Class C0". The glutamine amino acid residue is found in multiple mammalian species, which suggests that this missense change does not adversely affect protein function. In summary, the available evidence is currently insufficient to determine the role of this variant in disease. Therefore, it has been classified as a Variant of Uncertain Significance.

Genome Diagnostics Laboratory, The Hospital for Sick Children
Classification: Uncertain significance for Hereditary spastic paraplegia. Last evaluated: 2019-09-01. Review status: criteria provided, single submitter. Criteria: ACMG Guidelines, 2015. Collection method: clinical testing. Allele origin: germline. Affected: yes.

NM_014855.3(AP5Z1):c.329G>A (p.Arg110Gln)

Gene: AP5Z1 (adaptor related protein complex 5 subunit zeta 1; plus strand). Cytogenetic location: 7p22.1.
Variant type: single nucleotide variant.
Coding change: c.329G>A on transcript NM_014855.3 (MANE Select); coding-DNA position 329, G replaced by A.
Protein change: p.Arg110Gln; replaces arginine 110 with glutamine.
Molecular consequence: missense variant. On other transcripts: non-coding transcript variant (1), intron variant (1).
Genome position (GRCh38, 1-based): chr7:4,781,717, G>A. VCF-style: chr7-4781717-G-A. GRCh37 (hg19) VCF-style: chr7-4821348-G-A.
Other names: c.329G>A, p.Arg110Gln (LRG_1247t1); c.-103+405G>A (NM_001364858.1); short protein forms R110Q.
Identifiers: ClinVar variation 240942 (VCV000240942.9), dbSNP rs201481802, ClinGen allele CA4137145.